The following is an entry in ClinVar:

ClinVar aggregate classification (germline): Uncertain significance (1 of 4 stars; one submission).

gnomAD v4.1: 2 of 1,613,890 alleles (0.00012%); highest among the groups gnomAD compares: South Asian, 0.0011%; no homozygotes.

Submission:

Labcorp Genetics (formerly Invitae), Labcorp
Classification: Uncertain significance. Last evaluated: 2025-06-06. Review status: criteria provided, single submitter. Criteria: Invitae Variant Classification Sherloc (09022015). Collection method: clinical testing. Allele origin: germline.
Comment: This sequence change replaces threonine, which is neutral and polar, with isoleucine, which is neutral and non-polar, at codon 265 of the TBX20 protein (p.Thr265Ile). This variant is not present in population databases (gnomAD no frequency). This variant has not been reported in the literature in individuals affected with TBX20-related conditions. Invitae Evidence Modeling of protein sequence and biophysical properties (such as structural, functional, and spatial information, amino acid conservation, physicochemical variation, residue mobility, and thermodynamic stability) indicates that this missense variant is expected to disrupt TBX20 protein function with a positive predictive value of 80%. In summary, the available evidence is currently insufficient to determine the role of this variant in disease. Therefore, it has been classified as a Variant of Uncertain Significance.

NM_001077653.2(TBX20):c.794C>T (p.Thr265Ile)

Gene: TBX20 (T-box transcription factor 20; minus strand). Cytogenetic location: 7p14.2.
Variant type: single nucleotide variant.
Coding change: c.794C>T on transcript NM_001077653.2 (MANE Select); coding-DNA position 794, C replaced by T.
Protein change: p.Thr265Ile; replaces threonine 265 with isoleucine.
Molecular consequence: missense variant.
Genome position (GRCh38, 1-based): chr7:35,240,898, G>A on the plus strand (C>T on the coding strand, the complement: TBX20 is on the minus strand). VCF-style: chr7-35240898-G-A. GRCh37 (hg19) VCF-style: chr7-35280510-G-A.
Other names: c.794C>T, p.Thr265Ile (NM_001166220.1); short protein forms T265I.
Identifiers: ClinVar variation 4743055 (VCV004743055.1).
Genomic context (GRCh38, chr7:35,240,898, plus strand): 5'-CTTCTCTTATGCAGGAACTAAATTGTGAACTGTACACTCACCAGTTGATTCTGGTAGGCA[G>A]TGACTGCCGTAAAAACTGTTTCTGGAAAGATGAAAGTTCTAAATTCTTCAGACTTCAGGT-3'
Protein context (NP_001071121.1, residues 255-275): IFPETVFTAV[Thr265Ile]AYQNQLITKL